The following is an entry in ClinVar:

ClinVar aggregate classification (germline): Uncertain significance. Review status: criteria provided, multiple submitters, no conflicts (2 of 4 stars). 2 submissions from 2 submitters: Uncertain significance (2). Last evaluated 2024-04-24.

Conditions:
Inborn genetic diseases. Identifiers: MedGen C0950123, MeSH D030342.

Allele frequency attached by ClinVar (database versions not stated): TOPMed below 0.00001; ExAC 0.00001; gnomAD exomes 0.00001.
gnomAD v4.1: 7 of 1,610,766 alleles (0.00043%); highest among the groups gnomAD compares: African/African-American, 0.0013%; no homozygotes.

Submissions (2):

Ambry Genetics
Classification: Uncertain significance for Inborn genetic diseases. Last evaluated: 2024-04-24. Review status: criteria provided, single submitter. Criteria: Ambry Variant Classification Scheme 2023. Collection method: clinical testing. Allele origin: germline.

Labcorp Genetics (formerly Invitae), Labcorp
Classification: Uncertain significance. Last evaluated: 2023-10-05. Review status: criteria provided, single submitter. Criteria: Invitae Variant Classification Sherloc (09022015). Collection method: clinical testing. Allele origin: germline.
Comment: This sequence change replaces arginine, which is basic and polar, with serine, which is neutral and polar, at codon 2111 of the CACNA1E protein (p.Arg2111Ser). This variant is present in population databases (rs757207470, gnomAD 0.0009%). This variant has not been reported in the literature in individuals affected with CACNA1E-related conditions. Advanced modeling of protein sequence and biophysical properties (such as structural, functional, and spatial information, amino acid conservation, physicochemical variation, residue mobility, and thermodynamic stability) performed at Invitae indicates that this missense variant is not expected to disrupt CACNA1E protein function. In summary, the available evidence is currently insufficient to determine the role of this variant in disease. Therefore, it has been classified as a Variant of Uncertain Significance.

NM_001205293.3(CACNA1E):c.6462A>T (p.Arg2154Ser)

Gene: CACNA1E (calcium voltage-gated channel subunit alpha1 E; plus strand). Cytogenetic location: 1q25.3.
Variant type: single nucleotide variant.
Coding change: c.6462A>T on transcript NM_001205293.3 (MANE Select); coding-DNA position 6462, A replaced by T.
Protein change: p.Arg2154Ser; replaces arginine 2154 with serine.
Molecular consequence: missense variant.
Genome position (GRCh38, 1-based): chr1:181,798,354, A>T. VCF-style: chr1-181798354-A-T. GRCh37 (hg19) VCF-style: chr1-181767490-A-T.
Other names: c.6462A>T (NM_001205293.1); c.6333A>T, p.Arg2111Ser (NM_000721.4); c.6276A>T, p.Arg2092Ser (NM_001205294.2); short protein forms R2154S, R2092S, R2111S.
Identifiers: ClinVar variation 2970603 (VCV002970603.4), dbSNP rs757207470, ClinGen allele CA1276412.